The following is an entry in ClinVar:

ClinVar aggregate classification (germline): Uncertain significance (1 of 4 stars; one submission).

Conditions:
MHC class I deficiency. Identifiers: Orphanet 34592, MedGen C6024714, MONDO:0011476.

gnomAD v4.1: 9 of 1,614,084 alleles (0.00056%); highest among the groups gnomAD compares: Non-Finnish European, 0.00076%; no homozygotes.

Submission:

Labcorp Genetics (formerly Invitae), Labcorp
Classification: Uncertain significance for MHC class I deficiency 1. Last evaluated: 2025-10-09. Review status: criteria provided, single submitter. Criteria: Invitae Variant Classification Sherloc (09022015). Collection method: clinical testing. Allele origin: germline.
Comment: This sequence change replaces glutamic acid, which is acidic and polar, with lysine, which is basic and polar, at codon 245 of the TAPBP protein (p.Glu245Lys). This variant is not present in population databases (gnomAD no frequency). This variant has not been reported in the literature in individuals affected with TAPBP-related conditions. An algorithm developed to predict the effect of missense changes on protein structure and function (PolyPhen-2) suggests that this variant is likely to be disruptive. In summary, the available evidence is currently insufficient to determine the role of this variant in disease. Therefore, it has been classified as a Variant of Uncertain Significance.

NM_003190.5(TAPBP):c.733G>A (p.Glu245Lys)

Gene: TAPBP (TAP binding protein; minus strand). Cytogenetic location: 6p21.32.
Variant type: single nucleotide variant.
Coding change: c.733G>A on transcript NM_003190.5 (MANE Select); coding-DNA position 733, G replaced by A.
Protein change: p.Glu245Lys; replaces glutamic acid 245 with lysine.
Molecular consequence: missense variant.
Genome position (GRCh38, 1-based): chr6:33,305,124, C>T on the plus strand (G>A on the coding strand, the complement: TAPBP is on the minus strand). VCF-style: chr6-33305124-C-T. GRCh37 (hg19) VCF-style: chr6-33272901-C-T.
Other names: c.733G>A, p.Glu245Lys (NM_001410875.1, NM_172208.3); c.472G>A, p.Glu158Lys (NM_172209.3); short protein forms E158K, E245K.
Identifiers: ClinVar variation 4807468 (VCV004807468.1).
Genomic context (GRCh38, chr6:33,305,124, plus strand): 5'-GAAAGGGTTGAACTGTAGGCAGCCAGAAGGTCCCATTTCCGGTCCATGGGCCCCATGGCT[C>T]ATCATCATCCCAAGCAGCAAATGCCACGGCCCCTTCTTGGGCTGCTGGCATCTGGCCATT-3'
Protein context (NP_003181.3, residues 235-255): AVAFAAWDDD[Glu245Lys]PWGPWTGNGT